The following is an entry in ClinVar:

ClinVar aggregate classification (germline): Uncertain significance. Review status: criteria provided, multiple submitters, no conflicts (2 of 4 stars). 10 submissions from 10 submitters: Uncertain significance (9). 1 of the submissions does not count toward it. Last evaluated 2024-12-30.

Conditions:
Ataxia-telangiectasia syndrome (AT). Also called: Cerebello-oculocutaneous telangiectasia; Immunodeficiency with ataxia telangiectasia; AT, COMPLEMENTATION GROUP C; LOUIS-BAR SYNDROME; Ataxia telangiectasia (A-T); Ataxia-telangiectasia. Identifiers: Orphanet 100, MedGen C0004135, MONDO:0008840, OMIM 208900.
Hereditary cancer-predisposing syndrome. Also called: Tumor predisposition; Hereditary Cancer Syndrome; Hereditary neoplastic syndrome; Neoplastic Syndromes, Hereditary. Identifiers: Orphanet 140162, MedGen C0027672, MeSH D009386, MONDO:0015356.
Familial cancer of breast. Also called: BREAST CANCER, FAMILIAL; hereditary breast carcinoma; Hereditary breast cancer. Identifiers: Orphanet 227535, MedGen C0346153, MONDO:0016419, OMIM 114480. Disease mechanism: loss of function.

Allele frequency attached by ClinVar (database versions not stated): gnomAD 0.00003.
gnomAD v4.1: 15 of 1,606,852 alleles (0.00093%); highest among the groups gnomAD compares: Non-Finnish European, 0.000085%; no homozygotes.

Submissions (10):

Labcorp Genetics (formerly Invitae), Labcorp
Classification: Uncertain significance for Ataxia-telangiectasia syndrome. Last evaluated: 2024-12-30. Review status: criteria provided, single submitter. Criteria: Invitae Variant Classification Sherloc (09022015). Collection method: clinical testing. Allele origin: germline.
Comment: This sequence change replaces arginine, which is basic and polar, with proline, which is neutral and non-polar, at codon 717 of the ATM protein (p.Arg717Pro). This variant is present in population databases (rs768874297, gnomAD 0.04%). This variant has not been reported in the literature in individuals affected with ATM-related conditions. ClinVar contains an entry for this variant (Variation ID: 420303). Invitae Evidence Modeling of protein sequence and biophysical properties (such as structural, functional, and spatial information, amino acid conservation, physicochemical variation, residue mobility, and thermodynamic stability) indicates that this missense variant is not expected to disrupt ATM protein function with a negative predictive value of 95%. Experimental studies are conflicting or provide insufficient evidence to determine the effect of this variant on ATM function (PMID: 36029002). In summary, the available evidence is currently insufficient to determine the role of this variant in disease. Therefore, it has been classified as a Variant of Uncertain Significance.

Ambry Genetics
Classification: Uncertain significance for Hereditary cancer-predisposing syndrome. Last evaluated: 2024-12-12. Review status: criteria provided, single submitter. Criteria: Ambry Variant Classification Scheme 2023. Collection method: clinical testing. Allele origin: germline.
Comment: The p.R717P variant (also known as c.2150G>C), located in coding exon 13 of the ATM gene, results from a G to C substitution at nucleotide position 2150. The arginine at codon 717 is replaced by proline, an amino acid with dissimilar properties. This amino acid position is well conserved in available vertebrate species. In addition, the in silico prediction for this alteration is inconclusive. Based on the available evidence, the clinical significance of this variant remains unclear.

Color Diagnostics, LLC DBA Color Health
Classification: Uncertain significance for Hereditary cancer-predisposing syndrome. Last evaluated: 2024-11-14. Review status: criteria provided, single submitter. Criteria: ACMG Guidelines, 2015. Collection method: clinical testing. Allele origin: germline.
Comment: This missense variant replaces arginine with proline at codon 717 of the ATM protein. Computational prediction is inconclusive regarding the impact of this variant on protein structure and function. To our knowledge, functional studies have not been reported for this variant. This variant has not been reported in individuals affected with ATM-related disorders in the literature. This variant has been identified in 4/281976 chromosomes in the general population by the Genome Aggregation Database (gnomAD). The available evidence is insufficient to determine the role of this variant in disease conclusively. Therefore, this variant is classified as a Variant of Uncertain Significance.

Blueprint Genetics
Classification: Uncertain significance. Last evaluated: 2024-07-11. Review status: criteria provided, single submitter. Criteria: ACMG Guidelines, 2015. Collection method: clinical testing. Allele origin: germline.

Baylor Genetics
Classification: Uncertain significance for Familial cancer of breast. Last evaluated: 2024-01-19. Review status: criteria provided, single submitter. Criteria: ACMG Guidelines, 2015. Collection method: clinical testing. Allele origin: unknown.

Fulgent Genetics
Classification: Uncertain significance for Familial cancer of breast; Ataxia-telangiectasia syndrome. Last evaluated: 2022-01-12. Review status: criteria provided, single submitter. Criteria: ACMG Guidelines, 2015. Collection method: clinical testing. Allele origin: unknown.

Sema4
Classification: Uncertain significance for Hereditary cancer-predisposing syndrome. Last evaluated: 2021-08-16. Review status: criteria provided, single submitter. Criteria: Sema4 Curation Guidelines. Collection method: curation. Allele origin: germline.
Comment: To the best of our knowledge, the ATM c.2150G>C (p.R717P) variant has not been reported in individuals with ATM-related disease. In a breast cancer case-control study, it was reported in a healthy control (PMID: 33471991). It was observed in 4/10360 chromosomes of the Ashkenazi Jewish subpopulation in the large and broad cohorts of the Genome Aggregation Database (PMID: 32461654). The variant has been reported in ClinVar (Variation ID 420303). Functional studies have not been performed, and in silico predictions of the variant's effect on protein function are inconclusive. The evidence is insufficient to meet ACMG/AMP criteria for classifying the variant as benign or pathogenic. Thus, the clinical significance of this variant is currently uncertain.

Women's Health and Genetics/Laboratory Corporation of America, LabCorp
Classification: Uncertain significance. Last evaluated: 2018-03-23. Review status: criteria provided, single submitter. Criteria: LabCorp Variant Classification Summary - May 2015. Collection method: clinical testing. Allele origin: germline.
Comment: Variant summary: ATM c.2150G>C (p.Arg717Pro) results in a non-conservative amino acid change in the encoded protein sequence. Four of five in-silico tools predict a damaging effect of the variant on protein function. The variant was observed with an allele frequency of 0.00001 in 276434 control chromsomes (gnomAD). This frequency is not significantly higher than expected for a pathogenic variant in ATM causing Ataxia-Telangiectasia (1.4e-05 vs 0.004), allowing no conclusion about variant significance. The variant, c.2150G>C, has been reported in the literature in an individual diagnosed with a carcinoma (specific location was not indicated in publication from Ritterhouse_2016). This report does not provide an unequivocal conclusion about association of the variant with Ataxia-Telangiectasia. Multiple ClinVar submissions from clinical diagnostic laboratories (evaluation after 2014) cites the variant as "uncertain significance." Based on the evidence outlined above, the variant was classified as uncertain significance.

GeneDx
Classification: Uncertain significance. Last evaluated: 2017-02-13. Review status: criteria provided, single submitter. Criteria: GeneDx Variant Classification (06012015). Collection method: clinical testing. Allele origin: germline. Affected: yes.
Comment: This variant is denoted ATM c.2150G>C at the cDNA level, p.Arg717Pro (R717P) at the protein level, and results in the change of an Arginine to a Proline (CGG>CCG). This variant has not, to our knowledge, been published in the literature as either a pathogenic germline variant or a benign polymorphism. However, it has been reported as a somatic variant in an extrauterine Mullerian carcinoma (Ritterhouse 2016). ATM Arg717Pro was not observed in approximately 6,500 individuals of European and African American ancestry in the NHLBI Exome Sequencing Project, suggesting it is not a common benign variant in these populations. Since Arginine and Proline differ in polarity, charge, size or other properties, this is considered a non-conservative amino acid substitution. ATM Arg717Pro occurs at a position that is not conserved and is not located in a known functional domain (Stracker 2013, Tavtigian 2009). In silico analyses predict that this variant is probably damaging to protein structure and function. Based on currently available evidence, it is unclear whether ATM Arg717Pro is a pathogenic or benign variant. We consider it to be a variant of uncertain significance.

Natera, Inc.
Classification: Uncertain significance for Ataxia-telangiectasia. Last evaluated: 2021-04-12. Review status: no assertion criteria provided. Collection method: clinical testing. Allele origin: germline. Not counted in ClinVar's aggregate classification.

Literature cited by the submitters: PubMed 36029002 (cited by Labcorp Genetics (formerly Invitae), Labcorp); PubMed 33471991 (cited by Sema4); PubMed 27150160 (cited by Women's Health and Genetics/Laboratory Corporation of America, LabCorp).

NM_000051.4(ATM):c.2150G>C (p.Arg717Pro)

Gene: ATM (ATM serine/threonine kinase; plus strand). Cytogenetic location: 11q22.3.
Variant type: single nucleotide variant.
Coding change: c.2150G>C on transcript NM_000051.4 (MANE Select); coding-DNA position 2150, G replaced by C.
Protein change: p.Arg717Pro; replaces arginine 717 with proline.
Molecular consequence: missense variant.
Genome position (GRCh38, 1-based): chr11:108,256,240, G>C. VCF-style: chr11-108256240-G-C. GRCh37 (hg19) VCF-style: chr11-108126967-G-C.
Other names: c.2150G>C, p.Arg717Pro (NM_001351834.2); short protein forms R717P.
Identifiers: ClinVar variation 420303 (VCV000420303.33), dbSNP rs768874297, ClinGen allele CA6264957.